The following is an entry in ClinVar:

ClinVar aggregate classification (germline): Uncertain significance (1 of 4 stars; one submission).

Submission:

GeneDx
Classification: Uncertain significance. Last evaluated: 2023-02-17. Review status: criteria provided, single submitter. Criteria: GeneDx Variant Classification Process June 2021. Collection method: clinical testing. Allele origin: germline. Affected: yes.
Comment: Not observed at significant frequency in large population cohorts (gnomAD); In silico analysis supports that this missense variant has a deleterious effect on protein structure/function; Has not been previously published as pathogenic or benign to our knowledge

NM_001378964.1(CDON):c.1780T>C (p.Tyr594His)

Gene: CDON (cell adhesion associated, oncogene regulated; minus strand). Cytogenetic location: 11q24.2.
Variant type: single nucleotide variant.
Coding change: c.1780T>C on transcript NM_001378964.1 (MANE Select); coding-DNA position 1780, T replaced by C.
Protein change: p.Tyr594His; replaces tyrosine 594 with histidine.
Molecular consequence: missense variant.
Genome position (GRCh38, 1-based): chr11:126,005,830, A>G on the plus strand (T>C on the coding strand, the complement: CDON is on the minus strand). VCF-style: chr11-126005830-A-G. GRCh37 (hg19) VCF-style: chr11-125875725-A-G.
Other names: c.1780T>C, p.Tyr594His (NM_001243597.3, NM_016952.6); short protein forms Y594H.
Identifiers: ClinVar variation 2576662 (VCV002576662.1), dbSNP rs2497165216, ClinGen allele CA383208553.
Genomic context (GRCh38, chr11:126,005,830, plus strand): 5'-TCACAAAGTAAGCATTGATGGGCAGCCCACCATCCTTGCCTGCCCTCCACACCAGGTTGT[A>G]CGTGTCTGGTGTGTGGGTCTGTGGGGGGCTCAGTATGATGGGGGCATCAGGAACAGAGAT-3'
Protein context (NP_001365893.1, residues 584-604): SPPQTHTPDT[Tyr594His]NLVWRAGKDG